The following continues an entry in ClinVar:

NM_004281.4(BAG3):c.212G>A (p.Arg71Gln)

Gene: BAG3. ClinVar aggregate classification (germline): Benign/Likely benign. Benign (14); Likely benign (3).

Submissions 25 to 62 of 123:

Dr. Peter K. Rogan Lab, Western University
No classification provided (evidence only). Condition: Lung cancer. Review status: no classification provided. Collection method: in vitro. Allele origin: not applicable. Functional consequence: retained intron. Not counted in ClinVar's aggregate classification.

Dr. Peter K. Rogan Lab, Western University
No classification provided (evidence only). Condition: Lung cancer. Review status: no classification provided. Collection method: in vitro. Allele origin: not applicable. Functional consequence: retained intron. Not counted in ClinVar's aggregate classification.

Dr. Peter K. Rogan Lab, Western University
No classification provided (evidence only). Condition: Lung cancer. Review status: no classification provided. Collection method: in vitro. Allele origin: not applicable. Functional consequence: retained intron. Not counted in ClinVar's aggregate classification.

Dr. Peter K. Rogan Lab, Western University
No classification provided (evidence only). Condition: Lung cancer. Review status: no classification provided. Collection method: in vitro. Allele origin: not applicable. Functional consequence: retained intron. Not counted in ClinVar's aggregate classification.

Dr. Peter K. Rogan Lab, Western University
No classification provided (evidence only). Condition: Lung cancer. Review status: no classification provided. Collection method: in vitro. Allele origin: not applicable. Functional consequence: retained intron. Not counted in ClinVar's aggregate classification.

Dr. Peter K. Rogan Lab, Western University
No classification provided (evidence only). Condition: Lung cancer. Review status: no classification provided. Collection method: in vitro. Allele origin: not applicable. Functional consequence: retained intron. Not counted in ClinVar's aggregate classification.

Dr. Peter K. Rogan Lab, Western University
No classification provided (evidence only). Condition: Lung cancer. Review status: no classification provided. Collection method: in vitro. Allele origin: not applicable. Functional consequence: retained intron. Not counted in ClinVar's aggregate classification.

Dr. Peter K. Rogan Lab, Western University
No classification provided (evidence only). Condition: Lung cancer. Review status: no classification provided. Collection method: in vitro. Allele origin: not applicable. Functional consequence: retained intron. Not counted in ClinVar's aggregate classification.

Dr. Peter K. Rogan Lab, Western University
No classification provided (evidence only). Condition: Lung cancer. Review status: no classification provided. Collection method: in vitro. Allele origin: not applicable. Functional consequence: retained intron. Not counted in ClinVar's aggregate classification.

Dr. Peter K. Rogan Lab, Western University
No classification provided (evidence only). Condition: Lung cancer. Review status: no classification provided. Collection method: in vitro. Allele origin: not applicable. Functional consequence: retained intron. Not counted in ClinVar's aggregate classification.

Dr. Peter K. Rogan Lab, Western University
No classification provided (evidence only). Condition: Melanoma. Review status: no classification provided. Collection method: in vitro. Allele origin: not applicable. Functional consequence: retained intron. Not counted in ClinVar's aggregate classification.

Dr. Peter K. Rogan Lab, Western University
No classification provided (evidence only). Condition: Melanoma. Review status: no classification provided. Collection method: in vitro. Allele origin: not applicable. Functional consequence: retained intron. Not counted in ClinVar's aggregate classification.

Dr. Peter K. Rogan Lab, Western University
No classification provided (evidence only). Condition: Melanoma. Review status: no classification provided. Collection method: in vitro. Allele origin: not applicable. Functional consequence: retained intron. Not counted in ClinVar's aggregate classification.

Dr. Peter K. Rogan Lab, Western University
No classification provided (evidence only). Condition: Melanoma. Review status: no classification provided. Collection method: in vitro. Allele origin: not applicable. Functional consequence: retained intron. Not counted in ClinVar's aggregate classification.

Dr. Peter K. Rogan Lab, Western University
No classification provided (evidence only). Condition: Melanoma. Review status: no classification provided. Collection method: in vitro. Allele origin: not applicable. Functional consequence: retained intron. Not counted in ClinVar's aggregate classification.

Dr. Peter K. Rogan Lab, Western University
No classification provided (evidence only). Condition: Melanoma. Review status: no classification provided. Collection method: in vitro. Allele origin: not applicable. Functional consequence: retained intron. Not counted in ClinVar's aggregate classification.

Dr. Peter K. Rogan Lab, Western University
No classification provided (evidence only). Condition: Melanoma. Review status: no classification provided. Collection method: in vitro. Allele origin: not applicable. Functional consequence: retained intron. Not counted in ClinVar's aggregate classification.

Dr. Peter K. Rogan Lab, Western University
No classification provided (evidence only). Condition: Melanoma. Review status: no classification provided. Collection method: in vitro. Allele origin: not applicable. Functional consequence: retained intron. Not counted in ClinVar's aggregate classification.

Dr. Peter K. Rogan Lab, Western University
No classification provided (evidence only). Condition: Melanoma. Review status: no classification provided. Collection method: in vitro. Allele origin: not applicable. Functional consequence: retained intron. Not counted in ClinVar's aggregate classification.

Dr. Peter K. Rogan Lab, Western University
No classification provided (evidence only). Condition: Melanoma. Review status: no classification provided. Collection method: in vitro. Allele origin: not applicable. Functional consequence: retained intron. Not counted in ClinVar's aggregate classification.

Dr. Peter K. Rogan Lab, Western University
No classification provided (evidence only). Condition: Melanoma. Review status: no classification provided. Collection method: in vitro. Allele origin: not applicable. Functional consequence: retained intron. Not counted in ClinVar's aggregate classification.

Dr. Peter K. Rogan Lab, Western University
No classification provided (evidence only). Condition: Melanoma. Review status: no classification provided. Collection method: in vitro. Allele origin: not applicable. Functional consequence: retained intron. Not counted in ClinVar's aggregate classification.

Dr. Peter K. Rogan Lab, Western University
No classification provided (evidence only). Condition: Melanoma. Review status: no classification provided. Collection method: in vitro. Allele origin: not applicable. Functional consequence: retained intron. Not counted in ClinVar's aggregate classification.

Dr. Peter K. Rogan Lab, Western University
No classification provided (evidence only). Condition: Melanoma. Review status: no classification provided. Collection method: in vitro. Allele origin: not applicable. Functional consequence: retained intron. Not counted in ClinVar's aggregate classification.

Dr. Peter K. Rogan Lab, Western University
No classification provided (evidence only). Condition: Melanoma. Review status: no classification provided. Collection method: in vitro. Allele origin: not applicable. Functional consequence: retained intron. Not counted in ClinVar's aggregate classification.

Dr. Peter K. Rogan Lab, Western University
No classification provided (evidence only). Condition: Melanoma. Review status: no classification provided. Collection method: in vitro. Allele origin: not applicable. Functional consequence: retained intron. Not counted in ClinVar's aggregate classification.

Dr. Peter K. Rogan Lab, Western University
No classification provided (evidence only). Condition: Colon adenocarcinoma. Review status: no classification provided. Collection method: in vitro. Allele origin: not applicable. Functional consequence: retained intron. Not counted in ClinVar's aggregate classification.

Dr. Peter K. Rogan Lab, Western University
No classification provided (evidence only). Condition: Colon adenocarcinoma. Review status: no classification provided. Collection method: in vitro. Allele origin: not applicable. Functional consequence: retained intron. Not counted in ClinVar's aggregate classification.

Dr. Peter K. Rogan Lab, Western University
No classification provided (evidence only). Condition: Colon adenocarcinoma. Review status: no classification provided. Collection method: in vitro. Allele origin: not applicable. Functional consequence: retained intron. Not counted in ClinVar's aggregate classification.

Dr. Peter K. Rogan Lab, Western University
No classification provided (evidence only). Condition: Colon adenocarcinoma. Review status: no classification provided. Collection method: in vitro. Allele origin: not applicable. Functional consequence: retained intron. Not counted in ClinVar's aggregate classification.

Dr. Peter K. Rogan Lab, Western University
No classification provided (evidence only). Condition: Colon adenocarcinoma. Review status: no classification provided. Collection method: in vitro. Allele origin: not applicable. Functional consequence: retained intron. Not counted in ClinVar's aggregate classification.

Dr. Peter K. Rogan Lab, Western University
No classification provided (evidence only). Condition: Colon adenocarcinoma. Review status: no classification provided. Collection method: in vitro. Allele origin: not applicable. Functional consequence: retained intron. Not counted in ClinVar's aggregate classification.

Dr. Peter K. Rogan Lab, Western University
No classification provided (evidence only). Condition: Colon adenocarcinoma. Review status: no classification provided. Collection method: in vitro. Allele origin: not applicable. Functional consequence: retained intron. Not counted in ClinVar's aggregate classification.

Dr. Peter K. Rogan Lab, Western University
No classification provided (evidence only). Condition: Colon adenocarcinoma. Review status: no classification provided. Collection method: in vitro. Allele origin: not applicable. Functional consequence: retained intron. Not counted in ClinVar's aggregate classification.

Dr. Peter K. Rogan Lab, Western University
No classification provided (evidence only). Condition: Colon adenocarcinoma. Review status: no classification provided. Collection method: in vitro. Allele origin: not applicable. Functional consequence: retained intron. Not counted in ClinVar's aggregate classification.

Dr. Peter K. Rogan Lab, Western University
No classification provided (evidence only). Condition: Colon adenocarcinoma. Review status: no classification provided. Collection method: in vitro. Allele origin: not applicable. Functional consequence: retained intron. Not counted in ClinVar's aggregate classification.

Dr. Peter K. Rogan Lab, Western University
No classification provided (evidence only). Condition: Colon adenocarcinoma. Review status: no classification provided. Collection method: in vitro. Allele origin: not applicable. Functional consequence: retained intron. Not counted in ClinVar's aggregate classification.

Dr. Peter K. Rogan Lab, Western University
No classification provided (evidence only). Condition: Colon adenocarcinoma. Review status: no classification provided. Collection method: in vitro. Allele origin: not applicable. Functional consequence: retained intron. Not counted in ClinVar's aggregate classification.